The following is an entry in ClinVar:

NM_004369.4(COL6A3):c.1045G>A (p.Val349Met)

Gene: COL6A3 (collagen type VI alpha 3 chain; minus strand). Cytogenetic location: 2q37.3.
Variant type: single nucleotide variant.
Coding change: c.1045G>A on transcript NM_004369.4 (MANE Select); coding-DNA position 1045, G replaced by A.
Protein change: p.Val349Met; replaces valine 349 with methionine.
Molecular consequence: missense variant. On other transcripts: intron variant (2).
Genome position (GRCh38, 1-based): chr2:237,387,849, C>T on the plus strand (G>A on the coding strand, the complement: COL6A3 is on the minus strand). VCF-style: chr2-237387849-C-T. GRCh37 (hg19) VCF-style: chr2-238296492-C-T.
Other names: c.427G>A, p.Val143Met (NM_057167.4, NM_057165.5); c.92-6350G>A (NM_057166.5, NM_057164.5); c.1045G>A (NM_004369.3); short protein forms V349M, V143M.
Identifiers: ClinVar variation 1370517 (VCV001370517.7), dbSNP rs1464663206, ClinGen allele CA351222293.

ClinVar aggregate classification (germline): Uncertain significance. Review status: criteria provided, multiple submitters, no conflicts (2 of 4 stars). 2 submissions from 2 submitters: Uncertain significance (2). Last evaluated 2024-02-20.

Conditions:
Bethlem myopathy 1A. Also called: Bethlem myopathy 1; Bethlem Muscular Dystrophy; MYOPATHY, BENIGN CONGENITAL, WITH CONTRACTURES. Identifiers: Orphanet 610, MedGen CN029274, MONDO:0024530, OMIM 158810.

Allele frequency attached by ClinVar (database versions not stated): gnomAD exomes below 0.00001 and 0.00001.
gnomAD v4.1: 2 of 1,614,168 alleles (0.00012%); highest among the groups gnomAD compares: South Asian, 0.0011%; no homozygotes.

Submissions (2):

GeneDx
Classification: Uncertain significance. Last evaluated: 2024-02-20. Review status: criteria provided, single submitter. Criteria: GeneDx Variant Classification Process June 2021. Collection method: clinical testing. Allele origin: germline. Affected: yes.
Comment: Not observed at significant frequency in large population cohorts (gnomAD); In silico analysis supports that this missense variant does not alter protein structure/function; Has not been previously published as pathogenic or benign to our knowledge

Labcorp Genetics (formerly Invitae), Labcorp
Classification: Uncertain significance for Bethlem myopathy 1A. Last evaluated: 2021-08-07. Review status: criteria provided, single submitter. Criteria: Invitae Variant Classification Sherloc (09022015). Collection method: clinical testing. Allele origin: germline.
Comment: This sequence change replaces valine with methionine at codon 349 of the COL6A3 protein (p.Val349Met). The valine residue is weakly conserved and there is a small physicochemical difference between valine and methionine. This variant is not present in population databases (ExAC no frequency). This variant has not been reported in the literature in individuals affected with COL6A3-related conditions. Advanced modeling of protein sequence and biophysical properties (such as structural, functional, and spatial information, amino acid conservation, physicochemical variation, residue mobility, and thermodynamic stability) performed at Invitae indicates that this missense variant is not expected to disrupt COL6A3 protein function. In summary, the available evidence is currently insufficient to determine the role of this variant in disease. Therefore, it has been classified as a Variant of Uncertain Significance.